The following is an entry in ClinVar:

NM_001005361.3(DNM2):c.175C>T (p.Arg59Cys)

Gene: DNM2 (dynamin 2; plus strand). Cytogenetic location: 19p13.2.
Variant type: single nucleotide variant.
Coding change: c.175C>T on transcript NM_001005361.3 (MANE Select); coding-DNA position 175, C replaced by T.
Protein change: p.Arg59Cys; replaces arginine 59 with cysteine.
Molecular consequence: missense variant.
Genome position (GRCh38, 1-based): chr19:10,759,751, C>T. VCF-style: chr19-10759751-C-T. GRCh37 (hg19) VCF-style: chr19-10870427-C-T.
Other names: c.175C>T, p.Arg59Cys (NM_001005360.3, NM_001005362.3, NM_001190716.2 and 1 more transcripts); short protein forms R59C.
Identifiers: ClinVar variation 2885183 (VCV002885183.8), dbSNP rs1203982104, ClinGen allele CA404040161.

ClinVar aggregate classification (germline): Uncertain significance. Review status: criteria provided, multiple submitters, no conflicts (2 of 4 stars). 3 submissions from 3 submitters: Uncertain significance (3). Last evaluated 2026-07-14.

Conditions:
Inborn genetic diseases. Identifiers: MedGen C0950123, MeSH D030342.
Charcot-Marie-Tooth disease dominant intermediate B (CMTDIB). Also called: Charcot-Marie-Tooth disease dominant intermediate 1; CMT DI1; Charcot-Marie-Tooth disease dominant intermediate I; CHARCOT-MARIE-TOOTH NEUROPATHY, DOMINANT INTERMEDIATE B. Identifiers: Orphanet 100044, Orphanet 228179, MedGen C1847902, MONDO:0011674, OMIM 606482.

Allele frequency attached by ClinVar (database versions not stated): gnomAD exomes below 0.00001; gnomAD 0.00001.
gnomAD v4.1: 3 of 1,614,014 alleles (0.00019%); highest among the groups gnomAD compares: Non-Finnish European, 0.00025%; no homozygotes.

Submissions (3):

Ambry Genetics
Classification: Uncertain significance for Inborn genetic diseases. Last evaluated: 2026-07-14. Review status: criteria provided, single submitter. Criteria: Ambry Variant Classification Scheme 2023. Collection method: clinical testing. Allele origin: germline.
Comment: The c.175C>T (p.R59C) alteration is located in exon 2 (coding exon 2) of the DNM2 gene. This alteration results from a C to T substitution at nucleotide position 175, causing the arginine (R) at amino acid position 59 to be replaced by a cysteine (C). Based on data from gnomAD, the T allele has an overall frequency of 0.003% (1/31384) total alleles studied. The highest observed frequency was 0.007% (1/15416) of European (non-Finnish) alleles. Based on insufficient or conflicting evidence, the clinical significance of this alteration remains unclear.

CeGaT Center for Human Genetics Tuebingen
Classification: Uncertain significance. Last evaluated: 2026-05-01. Review status: criteria provided, single submitter. Criteria: CeGaT Center For Human Genetics Tuebingen Variant Classification Criteria Version 2. Collection method: clinical testing. Allele origin: germline. Affected: yes. Observed: 2 variant alleles.
Comment: DNM2: PM2, PP3

Labcorp Genetics (formerly Invitae), Labcorp
Classification: Uncertain significance for Charcot-Marie-Tooth disease dominant intermediate B. Last evaluated: 2023-03-16. Review status: criteria provided, single submitter. Criteria: Invitae Variant Classification Sherloc (09022015). Collection method: clinical testing. Allele origin: germline.
Comment: This sequence change replaces arginine, which is basic and polar, with cysteine, which is neutral and slightly polar, at codon 59 of the DNM2 protein (p.Arg59Cys). This variant is present in population databases (no rsID available, gnomAD 0.007%). In summary, the available evidence is currently insufficient to determine the role of this variant in disease. Therefore, it has been classified as a Variant of Uncertain Significance. Advanced modeling of protein sequence and biophysical properties (such as structural, functional, and spatial information, amino acid conservation, physicochemical variation, residue mobility, and thermodynamic stability) has been performed at Invitae for this missense variant, however the output from this modeling did not meet the statistical confidence thresholds required to predict the impact of this variant on DNM2 protein function. This variant has not been reported in the literature in individuals affected with DNM2-related conditions.